The following is an entry in ClinVar:

NM_177924.5(ASAH1):c.670A>T (p.Asn224Tyr)

Gene: ASAH1 (N-acylsphingosine amidohydrolase 1; minus strand). Cytogenetic location: 8p22.
Variant type: single nucleotide variant.
Coding change: c.670A>T on transcript NM_177924.5 (MANE Select); coding-DNA position 670, A replaced by T.
Protein change: p.Asn224Tyr; replaces asparagine 224 with tyrosine.
Molecular consequence: missense variant.
Genome position (GRCh38, 1-based): chr8:18,061,719, T>A on the plus strand (A>T on the coding strand, the complement: ASAH1 is on the minus strand). VCF-style: chr8-18061719-T-A. GRCh37 (hg19) VCF-style: chr8-17919228-T-A.
Other names: c.652A>T, p.Asn218Tyr (NM_001127505.3); c.475A>T, p.Asn159Tyr (NM_001363743.2); c.718A>T, p.Asn240Tyr (NM_004315.6); short protein forms N218Y, N159Y, N224Y, N240Y.
Identifiers: ClinVar variation 1415897 (VCV001415897.6), dbSNP rs895093107, ClinGen allele CA173141723.

ClinVar aggregate classification (germline): Uncertain significance (1 of 4 stars; one submission).

Allele frequency attached by ClinVar (database versions not stated): TOPMed below 0.00001; gnomAD 0.00001; gnomAD exomes below 0.00001.
gnomAD v4.1: 2 of 1,581,896 alleles (0.00013%); highest among the groups gnomAD compares: African/African-American, 0.0027%; no homozygotes.

Submission:

Labcorp Genetics (formerly Invitae), Labcorp
Classification: Uncertain significance. Last evaluated: 2021-07-01. Review status: criteria provided, single submitter. Criteria: Invitae Variant Classification Sherloc (09022015). Collection method: clinical testing. Allele origin: germline.
Comment: In summary, the available evidence is currently insufficient to determine the role of this variant in disease. Therefore, it has been classified as a Variant of Uncertain Significance. Algorithms developed to predict the effect of sequence changes on RNA splicing suggest that this variant may create or strengthen a splice site. Algorithms developed to predict the effect of missense changes on protein structure and function (SIFT, PolyPhen-2, Align-GVGD) all suggest that this variant is likely to be disruptive. This variant has not been reported in the literature in individuals affected with ASAH1-related conditions. This sequence change replaces asparagine with tyrosine at codon 224 of the ASAH1 protein (p.Asn224Tyr). The asparagine residue is highly conserved and there is a large physicochemical difference between asparagine and tyrosine. This variant is not present in population databases (ExAC no frequency).